The following is an entry in ClinVar:

NM_130384.3(ATRIP):c.1083G>C (p.Arg361Ser)

Genes: ATRIP (ATR interacting protein; plus strand), ATRIP-TREX1 (ATRIP-TREX1 readthrough; plus strand). Cytogenetic location: 3p21.31.
Variant type: single nucleotide variant.
Coding change: c.1083G>C on transcript NM_130384.3 (MANE Select); coding-DNA position 1083, G replaced by C.
Protein change: p.Arg361Ser; replaces arginine 361 with serine.
Molecular consequence: missense variant. On other transcripts: non-coding transcript variant (1).
Genome position (GRCh38, 1-based): chr3:48,460,137, G>C. VCF-style: chr3-48460137-G-C. GRCh37 (hg19) VCF-style: chr3-48501536-G-C.
Other names: c.702G>C, p.Arg234Ser (NM_001271022.2); c.804G>C, p.Arg268Ser (NM_001271023.2); c.1083G>C, p.Arg361Ser (NM_032166.4); short protein forms R268S, R234S, R361S.
Identifiers: ClinVar variation 4644578 (VCV004644578.1).

ClinVar aggregate classification (germline): Uncertain significance (1 of 4 stars; one submission).

gnomAD v4.1: 1 of 1,613,256 alleles (0.000062%); highest among the groups gnomAD compares: Non-Finnish European, 0.000085%; no homozygotes.

Submission:

Ambry Genetics
Classification: Uncertain significance. Last evaluated: 2025-11-07. Review status: criteria provided, single submitter. Criteria: Ambry Variant Classification Scheme 2023. Collection method: clinical testing. Allele origin: germline.
Comment: The p.R361S variant (also known as c.1083G>C), located in coding exon 8 of the ATRIP gene, results from a G to C substitution at nucleotide position 1083. The arginine at codon 361 is replaced by serine, an amino acid with dissimilar properties. This amino acid position is conserved. In addition, the in silico prediction for this alteration is inconclusive. Based on the available evidence, the clinical significance of this variant remains unclear.